The following is an entry in ClinVar:

NM_058216.3(RAD51C):c.773G>A (p.Arg258His)

Gene: RAD51C (RAD51 paralog C; plus strand). Cytogenetic location: 17q22.
Variant type: single nucleotide variant.
Coding change: c.773G>A on transcript NM_058216.3 (MANE Select); coding-DNA position 773, G replaced by A.
Protein change: p.Arg258His; replaces arginine 258 with histidine.
Molecular consequence: missense variant. On other transcripts: non-coding transcript variant (1).
Genome position (GRCh38, 1-based): chr17:58,709,926, G>A. VCF-style: chr17-58709926-G-A. GRCh37 (hg19) VCF-style: chr17-56787287-G-A.
Other names: short protein forms R258H.
Identifiers: ClinVar variation 6822 (VCV000006822.41), dbSNP rs267606997, ClinGen allele CA168628.

ClinVar aggregate classification (germline): Pathogenic/Likely pathogenic/Likely pathogenic, low penetrance. Review status: criteria provided, multiple submitters, no conflicts (2 of 4 stars). 18 submissions from 18 submitters: Pathogenic (4); Likely pathogenic (11); Likely pathogenic, low penetrance (1). 2 of the submissions do not count toward it. Last evaluated 2026-05-11.

Conditions:
RAD51C-related cancer predisposition. Identifiers: MedGen CN377762, MONDO:0700273.
Familial ovarian cancer. Identifiers: MedGen C5679802, MONDO:0016248.
RAD51C-related disorder. Also called: RAD51C-related condition; RAD51C-related disorders.
Breast-ovarian cancer, familial, susceptibility to, 3. Also called: RAD51C-Related Breast/Ovarian Cancer. Identifiers: Orphanet 145, MedGen C3150659, MONDO:0013253, OMIM 613399.
Fanconi anemia complementation group O. Also called: RAD51C-Related Fanconi Anemia. Identifiers: Orphanet 84, MedGen C3150653, MONDO:0013248, OMIM 613390.
Hereditary cancer-predisposing syndrome. Also called: Tumor predisposition; Hereditary neoplastic syndrome; Hereditary Cancer Syndrome; Neoplastic Syndromes, Hereditary. Identifiers: Orphanet 140162, MedGen C0027672, MeSH D009386, MONDO:0015356.
Hereditary breast ovarian cancer syndrome. Also called: Breast and ovarian cancer; BRCA1- and BRCA2-Associated Hereditary Breast and Ovarian Cancer; Hereditary breast and ovarian cancer syndrome (HBOC); Hereditary breast and/or ovarian cancer syndrome; Hereditary breast and ovarian cancer syndrome; Hereditary breast and ovarian cancer. Identifiers: Orphanet 145, MedGen C0677776, MeSH D061325, MONDO:0003582. Disease mechanism: loss of function.

Allele frequency attached by ClinVar (database versions not stated): gnomAD exomes 0.00001 and 0.00002; ExAC 0.00002; gnomAD 0.00002; TOPMed 0.00002.

Submissions 1 to 7 of 18:

Molecular Diagnostics Laboratory, Catalan Institute of Oncology
Classification: Likely pathogenic for Hereditary cancer-predisposing syndrome. Last evaluated: 2026-05-11. Review status: criteria provided, single submitter. Criteria: ACMG Guidelines, 2015. Collection method: clinical testing. Allele origin: germline.
Comment: PS3, PM3, PP1 c.773G>A , located in exon 5 of the RAD51C gene, is predicted to result in the substitution of arginine with histidine at codon 258, p.(Arg258His). This variant is found in 4/118137 alleles at a frequency of 0.003% within non-Finnish European sub-population in the gnomAD v2.1.1 database, non-cancer dataset. The SpliceAI algorithm predicts no significant impact on splicing. The REVEL meta-predictor score for this variant (0.497) is indeterminate regarding the effect that it may have on protein function according to Pejaver 2022 thresholds (PMID:36413997). R258H shows a hypomorphic/intermediate effect in hamster-based assays (irs3 complementation and HDR in CL-V4B cells), but demonstrates marked loss of function in multiple other systems, including defective G2 arrest rescue and RAD51 foci formation in patient fibroblasts, lack of complementation in DT40 survival assays, and strongly reduced HR activity (score: 0.21 compared to WT score: 1) in human knockout cell lines, supporting an overall functionally deleterious impact with partial residual activity in specific contexts. (PMID: 20400963, 37253112, 26354865, 36099300) (PS3). This variant has been reported in a homozygous state in at least 3 Fanconi anemia-affected individuals (2 probands from two different families) (PMID: 20400963, 32054657) (PM3). Furthermore, in one of these families, the variant was found in homozygosity in two pediatric siblings showing features of Fanconi anemia, and it was absent in an unaffected sibling (PMID: 20400963)(PP1). Based on the currently available evidence, c.773G>A is classified as a likely pathogenic variant according to ACMG/AMP classification guidelines.

German Consortium for Hereditary Breast and Ovarian Cancer, University Hospital Cologne
Classification: Likely pathogenic, low penetrance for Hereditary breast ovarian cancer syndrome. Last evaluated: 2026-02-10. Review status: criteria provided, single submitter. Criteria: ACMG SVI. Collection method: curation. Allele origin: germline.
Comment: This classification follows the ACMG SVI adaptation classification scheme; We chose these criteria: PS3 (medium pathogenic): Olvera-León (2024, PMID: 39299233): only slow-depleted Hu (2023, PMID: 37253112): intermediate impact Vaz (2010, PMID: 20400963): partially functional Somyajit (2012, PMID: 22167183): partially functional Somyajit (2015, PMID: 26354865): impaired replication fork maintenance Park (2014, PMID: 24141787): defective co-immunoprecipitation of PALB2 and BRCA2, as well as RAD51 and XRCC3, PM2 (supporting pathogenic): gnomAD v4.1.0 Grpmax Filtering AF = 0.00000804 (=0.000804%, thus <0.001%), PM3 (medium pathogenic): Vaz (2010, PMID: 20400963): 2 affected homozygous siblings Blombery (2021, PMID: 32054657): 1 affecfted homozygous individual , PP1 (supporting pathogenic): Vaz (2010, PMID: 20400963): 2 affected homozygous siblings; heterozygous parents

Labcorp Genetics (formerly Invitae), Labcorp
Classification: Pathogenic for Fanconi anemia complementation group O. Last evaluated: 2026-01-14. Review status: criteria provided, single submitter. Criteria: Invitae Variant Classification Sherloc (09022015). Collection method: clinical testing. Allele origin: germline.
Comment: This sequence change replaces arginine, which is basic and polar, with histidine, which is basic and polar, at codon 258 of the RAD51C protein (p.Arg258His). This variant is present in population databases (rs267606997, gnomAD 0.003%). This missense change has been observed in individuals with breast and/or ovarian cancer and features of Fanconi anemia (PMID: 20400963, 25154786, 26740214, 32054657, 32242007). It has also been observed to segregate with disease in related individuals. ClinVar contains an entry for this variant (Variation ID: 6822). Invitae Evidence Modeling of protein sequence and biophysical properties (such as structural, functional, and spatial information, amino acid conservation, physicochemical variation, residue mobility, and thermodynamic stability) indicates that this missense variant is expected to disrupt RAD51C protein function with a positive predictive value of 80%. Experimental studies have shown that this missense change affects RAD51C function (PMID: 20400963, 22167183, 26354865). For these reasons, this variant has been classified as Pathogenic.

Victorian Clinical Genetics Services, Murdoch Childrens Research Institute
Classification: Pathogenic for RAD51C-related cancer predisposition. Last evaluated: 2025-05-29. Review status: criteria provided, single submitter. Criteria: ACMG Guidelines, 2015. Collection method: clinical testing. Allele origin: germline. Affected: no.
Comment: This variant is classified as Pathogenic. Evidence in support of pathogenic classification: Variant is present in gnomAD (v2) <0.01 for a recessive condition (4 heterozygotes, 0 homozygotes); This variant has strong previous evidence of pathogenicity in unrelated individuals. This variant has been reported as pathogenic multiple times in ClinVar. It has also been reported in a consanguineous family with fanconi anaemia (PMID: 20400963); This variant has strong functional evidence supporting abnormal protein function. Functional studies have shown loss of RAD51 focus formation in response to DNA damage and increased cellular sensitivity (PMID: 20400963). Additional information: Variant is predicted to result in a missense amino acid change from arginine to histidine; This variant is heterozygous; This gene is associated with both recessive and dominant disease. Fanconi anaemia, complementation group O (MIM#613390) is associated with autosomal recessive inheritance, while RAD51C-related cancer predisposition (MONDO:0700273) is associated with autosomal dominant inheritance (ClinGen); An alternative amino acid change at the same position has been observed in gnomAD (v2) (7 heterozygotes, 0 homozygotes); Other missense variants comparable to the one identified in this case have inconclusive previous evidence for pathogenicity. Multiple alternative changes at this location have been reported as VUS in ClinVar; Variant is not located in an established domain, motif, hotspot or informative constraint region; Missense variant with conflicting in silico predictions and uninformative conservation; Loss of function is a known mechanism of disease in this gene and is associated with fanconi anaemia, complementation group O (MIM#613390) and RAD51C-related cancer predisposition (MONDO:0700273); Inheritance information for this variant is not currently available in this individual.

Color Diagnostics, LLC DBA Color Health
Classification: Pathogenic for Hereditary cancer-predisposing syndrome. Last evaluated: 2025-05-20. Review status: criteria provided, single submitter. Criteria: ACMG Guidelines, 2015. Collection method: clinical testing. Allele origin: germline.
Comment: This missense variant replaces arginine with histidine at codon 258 in the RAD51B/RAD51D/XRCC3 interacting domain of the RAD51C protein. Computational prediction tool suggests that this variant may not impact protein structure and function. However, functional studies have shown that this variant reduced interaction with its binding partners involved in DNA repair and decreased homology-directed repair activity (PMID: 20400963, 22167183, 24141787, 36099300, 37253112, 39299233). This variant has been reported in homozygosity in two pediatric siblings and an adult showing features of Fanconi anemia (PMID: 20400963, 32054657). This variant has also been observed in an individual affected with breast and/or ovarian cancer (PMID: 26740214, 31742824, 32242007, 37444530Bono 2020 dissertation Universita degli Studi di Palermo). This variant has been identified in 4/251428 chromosomes in the general population by the Genome Aggregation Database (gnomAD). Based on the available evidence, this variant is classified as Pathogenic.

Molecular Pathology, Peter Maccallum Cancer Centre
Classification: Likely pathogenic for Familial ovarian cancer. Last evaluated: 2025-03-26. Review status: criteria provided, single submitter. Criteria: ACMG Guidelines, 2015. Collection method: clinical testing. Allele origin: germline. Inheritance: Autosomal dominant inheritance.

Department of Clinical Genetics, Copenhagen University Hospital, Rigshospitalet
Classification: Likely pathogenic for Hereditary cancer-predisposing syndrome. Last evaluated: 2025-02-04. Review status: criteria provided, single submitter. Criteria: ACMG Guidelines, 2015. Collection method: clinical testing. Allele origin: germline.
Comment: PM3; PS3_MOD; PS4_SUP; PP1. The variant may have reduced penetranse (Hypomorphic)